The following is an entry in ClinVar:

NM_198578.4(LRRK2):c.6439C>A (p.Pro2147Thr)

Gene: LRRK2 (leucine rich repeat kinase 2; plus strand). Cytogenetic location: 12q12.
Variant type: single nucleotide variant.
Coding change: c.6439C>A on transcript NM_198578.4 (MANE Select); coding-DNA position 6439, C replaced by A.
Protein change: p.Pro2147Thr; replaces proline 2147 with threonine.
Molecular consequence: missense variant.
Genome position (GRCh38, 1-based): chr12:40,351,596, C>A. VCF-style: chr12-40351596-C-A. GRCh37 (hg19) VCF-style: chr12-40745398-C-A.
Other names: short protein forms P2147T.
Identifiers: ClinVar variation 1753519 (VCV001753519.5), dbSNP rs1374031223, ClinGen allele CA384406672.
Genomic context (GRCh38, chr12:40,351,596, plus strand): 5'-CAGGTCTTTGACATTTTGAATTCAGCTGAATTAGTCTGTCTGACGAGACGCATTTTATTA[C>A]CTAAAAACGTAATTGTTGAATGCATGGTTGCTACACATCACAACAGCAGGAATGCAAGCA-3'
Protein context (NP_940980.4, residues 2137-2157): LVCLTRRILL[Pro2147Thr]KNVIVECMVA

ClinVar aggregate classification (germline): Uncertain significance. Review status: criteria provided, multiple submitters, no conflicts (2 of 4 stars). 2 submissions from 2 submitters: Uncertain significance (2). Last evaluated 2024-02-14.

Conditions:
Autosomal dominant Parkinson disease 8. Also called: LRRK2-Related Parkinson Disease; Parkinson disease 8; Parkinson disease 8, susceptibility to. Identifiers: Orphanet 411602, MedGen C1846862, MONDO:0011764, OMIM 607060.
Inborn genetic diseases. Identifiers: MedGen C0950123, MeSH D030342.

Allele frequency attached by ClinVar (database versions not stated): TOPMed below 0.00001; gnomAD 0.00001.
gnomAD v4.1: 1 of 1,613,958 alleles (0.000062%); highest among the groups gnomAD compares: African/African-American, 0.0013%; no homozygotes.

Submissions (2):

Labcorp Genetics (formerly Invitae), Labcorp
Classification: Uncertain significance for Autosomal dominant Parkinson disease 8. Last evaluated: 2024-02-14. Review status: criteria provided, single submitter. Criteria: Invitae Variant Classification Sherloc (09022015). Collection method: clinical testing. Allele origin: germline.
Comment: This sequence change replaces proline, which is neutral and non-polar, with threonine, which is neutral and polar, at codon 2147 of the LRRK2 protein (p.Pro2147Thr). This variant is not present in population databases (gnomAD no frequency). This variant has not been reported in the literature in individuals affected with LRRK2-related conditions. ClinVar contains an entry for this variant (Variation ID: 1753519). Advanced modeling of protein sequence and biophysical properties (such as structural, functional, and spatial information, amino acid conservation, physicochemical variation, residue mobility, and thermodynamic stability) has been performed at Invitae for this missense variant, however the output from this modeling did not meet the statistical confidence thresholds required to predict the impact of this variant on LRRK2 protein function. In summary, the available evidence is currently insufficient to determine the role of this variant in disease. Therefore, it has been classified as a Variant of Uncertain Significance.

Ambry Genetics
Classification: Uncertain significance for Inborn genetic diseases. Last evaluated: 2023-10-31. Review status: criteria provided, single submitter. Criteria: Ambry Variant Classification Scheme 2023. Collection method: clinical testing. Allele origin: germline.
Comment: The p.P2147T variant (also known as c.6439C>A), located in coding exon 44 of the LRRK2 gene, results from a C to A substitution at nucleotide position 6439. The proline at codon 2147 is replaced by threonine, an amino acid with highly similar properties. This amino acid position is conserved. In addition, the in silico prediction for this alteration is inconclusive. Since supporting evidence is limited at this time, the clinical significance of this alteration remains unclear.